The following is an entry in ClinVar:

ClinVar aggregate classification (germline): Uncertain significance (1 of 4 stars; one submission).

Submission:

Labcorp Genetics (formerly Invitae), Labcorp
Classification: Uncertain significance. Last evaluated: 2022-03-21. Review status: criteria provided, single submitter. Criteria: Invitae Variant Classification Sherloc (09022015). Collection method: clinical testing. Allele origin: germline.
Comment: This sequence change replaces asparagine, which is neutral and polar, with aspartic acid, which is acidic and polar, at codon 3315 of the LRP2 protein (p.Asn3315Asp). In summary, the available evidence is currently insufficient to determine the role of this variant in disease. Therefore, it has been classified as a Variant of Uncertain Significance. Advanced modeling of protein sequence and biophysical properties (such as structural, functional, and spatial information, amino acid conservation, physicochemical variation, residue mobility, and thermodynamic stability) performed at Invitae indicates that this missense variant is expected to disrupt LRP2 protein function. This variant has not been reported in the literature in individuals affected with LRP2-related conditions. This variant is not present in population databases (gnomAD no frequency).

NM_004525.3(LRP2):c.9943A>G (p.Asn3315Asp)

Gene: LRP2 (LDL receptor related protein 2; minus strand). Cytogenetic location: 2q31.1.
Variant type: single nucleotide variant.
Coding change: c.9943A>G on transcript NM_004525.3 (MANE Select); coding-DNA position 9943, A replaced by G.
Protein change: p.Asn3315Asp; replaces asparagine 3315 with aspartic acid.
Molecular consequence: missense variant.
Genome position (GRCh38, 1-based): chr2:169,182,222, T>C on the plus strand (A>G on the coding strand, the complement: LRP2 is on the minus strand). VCF-style: chr2-169182222-T-C. GRCh37 (hg19) VCF-style: chr2-170038732-T-C.
Other names: short protein forms N3315D.
Identifiers: ClinVar variation 2068840 (VCV002068840.4), dbSNP rs2545747867, ClinGen allele CA349151849.
Genomic context (GRCh38, chr2:169,182,222, plus strand): 5'-AATACCCATATTGAGGGTGAAGGGCAAGTCCTCTGGGATTATCAAAGCAGAAGGTGTTGT[T>C]GGCATCCACACAGTGCTGGGCCAGCATGCGGCGGTGTCCACCATTGAGGTCAGAGACAAA-3'
Protein context (NP_004516.2, residues 3305-3325): RMLAQHCVDA[Asn3315Asp]NTFCFDNPRG